The following is an entry in ClinVar:

ClinVar aggregate classification (germline): Uncertain significance (1 of 4 stars; one submission).

Submission:

GeneDx
Classification: Uncertain significance. Last evaluated: 2024-03-20. Review status: criteria provided, single submitter. Criteria: GeneDx Variant Classification Process June 2021. Collection method: clinical testing. Allele origin: germline. Affected: yes.
Comment: Not observed at significant frequency in large population cohorts (gnomAD); In silico analysis supports that this missense variant does not alter protein structure/function; Has not been previously published as pathogenic or benign to our knowledge

NM_001379451.1(BCORL1):c.3266C>T (p.Ala1089Val)

Gene: BCORL1 (BCL6 corepressor like 1; plus strand). Cytogenetic location: Xq26.1.
Variant type: single nucleotide variant.
Coding change: c.3266C>T on transcript NM_001379451.1 (MANE Select); coding-DNA position 3266, C replaced by T.
Protein change: p.Ala1089Val; replaces alanine 1089 with valine.
Molecular consequence: missense variant.
Genome position (GRCh38, 1-based): chrX:130,016,038, C>T. VCF-style: chrX-130016038-C-T. GRCh37 (hg19) VCF-style: chrX-129150014-C-T.
Other names: c.3266C>T, p.Ala1089Val (NM_001184772.3, NM_001379450.1, NM_021946.5); short protein forms A1089V.
Identifiers: ClinVar variation 3371134 (VCV003371134.1).
Genomic context (GRCh38, chrX:130,016,038, plus strand): 5'-ATGGCCTCCCAGTGGCTCCCCAGAGGGGCCAAGCTGAAGTTCGGGCTAAGGCCGGGCAGG[C>T]TCGAGTGAAACAGGAAAGCGTAGGGGTCTTTGCTTGCAAGAACAAGTGGCAGCCAGATGA-3'
Protein context (NP_001366380.1, residues 1079-1099): QAEVRAKAGQ[Ala1089Val]RVKQESVGVF